The following is an entry in ClinVar:

ClinVar aggregate classification (germline): Uncertain significance (1 of 4 stars; one submission).

Conditions:
Inborn genetic diseases. Identifiers: MedGen C0950123, MeSH D030342.

gnomAD v4.1: 1 of 1,614,232 alleles (0.000062%); highest among the groups gnomAD compares: Non-Finnish European, 0.000085%; no homozygotes.

Submission:

Ambry Genetics
Classification: Uncertain significance for Inborn genetic diseases. Last evaluated: 2026-03-28. Review status: criteria provided, single submitter. Criteria: Ambry Variant Classification Scheme 2023. Collection method: clinical testing. Allele origin: germline.
Comment: The p.S1275P variant (also known as c.3823T>C), located in coding exon 13 of the ASXL1 gene, results from a T to C substitution at nucleotide position 3823. The serine at codon 1275 is replaced by proline, an amino acid with similar properties. This amino acid position is conserved. In addition, this alteration is predicted to be tolerated by in silico analysis. Based on the available evidence, the clinical significance of this variant remains unclear.

NM_015338.6(ASXL1):c.3823T>C (p.Ser1275Pro)

Gene: ASXL1 (ASXL transcriptional regulator 1; plus strand). Cytogenetic location: 20q11.21.
Variant type: single nucleotide variant.
Coding change: c.3823T>C on transcript NM_015338.6 (MANE Select); coding-DNA position 3823, T replaced by C.
Protein change: p.Ser1275Pro; replaces serine 1275 with proline.
Molecular consequence: missense variant.
Genome position (GRCh38, 1-based): chr20:32,436,535, T>C. VCF-style: chr20-32436535-T-C. GRCh37 (hg19) VCF-style: chr20-31024338-T-C.
Other names: c.3640T>C, p.Ser1214Pro (NM_001363734.1); short protein forms S1214P, S1275P.
Identifiers: ClinVar variation 4864133 (VCV004864133.1).
Genomic context (GRCh38, chr20:32,436,535, plus strand): 5'-TCAAATGCTGCTCCAGGAAAGAGCCCAGGAGATCTTACTACCTCGAGAACACCTCGTTTC[T>C]CATCTCCAAATGTGATCTCCTTTGGTCCAGAGCAGACAGGTCGGGCCCTGGGTGATCAGA-3'
Protein context (NP_056153.2, residues 1265-1285): DLTTSRTPRF[Ser1275Pro]SPNVISFGPE